The following is an entry in ClinVar:

ClinVar aggregate classification (germline): Pathogenic/Likely pathogenic. Review status: criteria provided, multiple submitters, no conflicts (2 of 4 stars). 16 submissions from 16 submitters: Pathogenic (10); Likely pathogenic (2). 4 of the submissions do not count toward it. Last evaluated 2026-02-19.

Conditions:
Fanconi anemia, complementation group S (FANCS). Identifiers: MedGen C4554406, MONDO:0054748, OMIM 617883.
Hereditary cancer-predisposing syndrome. Also called: Tumor predisposition; Neoplastic Syndromes, Hereditary; Hereditary Cancer Syndrome; Hereditary neoplastic syndrome. Identifiers: Orphanet 140162, MedGen C0027672, MeSH D009386, MONDO:0015356.
Hereditary breast ovarian cancer syndrome. Also called: Hereditary breast and ovarian cancer syndrome (HBOC); Hereditary breast and ovarian cancer syndrome; Hereditary breast and ovarian cancer; Hereditary breast and/or ovarian cancer syndrome; Breast and ovarian cancer; BRCA1- and BRCA2-Associated Hereditary Breast and Ovarian Cancer. Identifiers: Orphanet 145, MedGen C0677776, MeSH D061325, MONDO:0003582. Disease mechanism: loss of function.
Breast-ovarian cancer, familial, susceptibility to, 1 (BROVCA1). Also called: OVARIAN CANCER, SUSCEPTIBILITY TO; BRCA1 Hereditary Breast and Ovarian Cancer. Identifiers: Orphanet 145, MedGen C2676676, MONDO:0011450, OMIM 604370. Disease mechanism: loss of function.

Allele frequency attached by ClinVar (database versions not stated): gnomAD exomes below 0.00001.
gnomAD v4.1: 1 of 1,614,156 alleles (0.000062%); highest among the groups gnomAD compares: Non-Finnish European, 0.000085%; no homozygotes.

Submissions 1 to 5 of 17:

Ambry Genetics
Classification: Pathogenic for Hereditary cancer-predisposing syndrome. Last evaluated: 2026-02-19. Review status: criteria provided, single submitter. Criteria: Ambry Variant Classification Scheme 2023. Collection method: clinical testing. Allele origin: germline.
Comment: The c.5434C>G variant (also known as p.P1812A), located in coding exon 21 of the BRCA1 gene, results from a C to G substitution at nucleotide position 5434. The proline at codon 1812 is replaced by alanine, an amino acid with highly similar properties. This alteration has been detected in many breast and ovarian cancer cohorts (Mart&iacute;nez-Ferrandis JI et al. Hum. Mutat. 2003 Nov;22:417-8; D&iacute;ez O et al. Hum. Mutat. 2003 Oct;22:301-12; Kaufman B et al. Genet. Test. 2006;10:200-7; Stavropoulou AV et al. PLoS ONE, 2013 Mar;8:e58182; Jarhelle E et al. Fam. Cancer. 2017 01;16:1-16; Heramb C et al. Hered Cancer Clin Pract. 2018 Jan;16:3). Numerous studies have reported that this alteration causes skipping of coding exon 21 (also called exon 23 in the literature) and although one study shows semi-quantitative data indicating the splice defect may be leaky, another unpublished study shows that there is no wildtype transcript produced from the altered allele (Ambry internal data; Gaildrat P et al. J. Med. Genet. 2010 Jun;47:398-403; Houdayer C et al. Hum. Mutat. 2012 Aug;33:1228-38; Jarhelle E et al. Fam. Cancer. 2017 01;16:1-16; personal communication). In silico splice site analysis for this alteration is inconclusive; however, there is also functional evidence that this variant negatively impacts a splice enhancer site (Gaildrat P et al. J. Med. Genet. 2010 Jun;47:398-403). In a haploid cell survival assay, which can measure both RNA and protein effects, this variant was non-functional with evidence supporting a splice defect (Findlay GM et al. Nature, 2018 10;562:217-222). Several functional studies have been conducted on the missense substitution and have shown modest defects in transcription activation, thermostability and affinity for BRIP1 binding (Kaufman B et al. Genet. Test. 2006;10:200-7; Drikos I et al. Proteins. 2009 Nov;77:464-76). Based on internal structural analysis, this amino acid substitution will result in greater local structural destabilization than other nearby pathogenic alterations (Clapperton JA et al. Nat. Struct. Mol. Biol. 2004 Jun;11:512-8; Ambry internal data). This nucleotide position is highly conserved in available vertebrate species. In addition, the in silico prediction for this alteration is inconclusive. Based on the supporting evidence, this variant is interpreted as a disease-causing mutation.

Department of Pathology and Laboratory Medicine, Sinai Health System
Classification: Pathogenic for Fanconi anemia, complementation group S. Last evaluated: 2024-10-22. Review status: criteria provided, single submitter. Criteria: ACMG Guidelines, 2015. Collection method: clinical testing. Allele origin: germline.

Labcorp Genetics (formerly Invitae), Labcorp
Classification: Pathogenic for Hereditary breast ovarian cancer syndrome. Last evaluated: 2024-08-11. Review status: criteria provided, single submitter. Criteria: Invitae Variant Classification Sherloc (09022015). Collection method: clinical testing. Allele origin: germline.
Comment: This sequence change replaces proline, which is neutral and non-polar, with alanine, which is neutral and non-polar, at codon 1812 of the BRCA1 protein (p.Pro1812Ala). RNA analysis indicates that this missense change induces altered splicing and may result in an absent or altered protein product. This variant is present in population databases (rs1800751, gnomAD 0.0009%). This missense change has been observed in individual(s) with breast and/or ovarian cancer (PMID: 14517958, 17020472, 17453335, 20522429, 27495310, 29470806). It has also been observed to segregate with disease in related individuals. This variant is also known as 5553C>G. ClinVar contains an entry for this variant (Variation ID: 37670). Advanced modeling performed at Invitae incorporating data from internal and/or published experimental studies (PMID: 30209399) indicates that this missense variant is expected to disrupt BRCA1 function with a positive predictive value of 95%. Experimental studies have shown that this missense change affects BRCA1 function (PMID: 17020472, 19452558, 30209399). Studies have shown that this missense change results in skipping of exon 22, and produces a non-functional protein and/or introduces a premature termination codon (PMID: 20522429, 22505045, 27495310). For these reasons, this variant has been classified as Pathogenic.

Color Diagnostics, LLC DBA Color Health
Classification: Pathogenic for Hereditary cancer-predisposing syndrome. Last evaluated: 2022-12-05. Review status: criteria provided, single submitter. Criteria: ACMG Guidelines, 2015. Collection method: clinical testing. Allele origin: germline.
Comment: This missense variant replaces proline with alanine at codon 1812 of the BRCA1 protein. Computational prediction tool is inconclusive regarding the impact of this variant on protein structure and function (internally defined REVEL score threshold 0.5 < inconclusive < 0.7, PMID: 27666373). This variant also causes a C>G nucleotide substitution at nucleotide 5434 in exon 22 of the BRCA1 gene. RNA studies have reported that this variant caused the out-of-frame skipping of exon 22 that disrupted the BRCT domain in the encoded protein (PMID: 20522429, 21673748, 27495310). It has been reported that there is no wild type transcript produced from the mutant allele (ClinVar SCV000665890.4). Cells transfected with the mutant allele show defective BRCA1 function in a haploid cell proliferation assay (PMID: 30209399). This variant has been observed in many individuals affected with breast and ovarian cancer (PMID: 12955716, 14517958, 17020472, 17453335, 19452558, 20522429, 23536787, 27495310, 29470806) and has been shown to segregate with disease in five unrelated families (PMID: 34597585). This variant has also been identified in 1/251488 chromosomes in the general population by the Genome Aggregation Database (gnomAD). Loss of BRCA1 function is a known mechanism of disease. Based on the available evidence, this variant is classified as Pathogenic.

Revvity Omics, Revvity
Classification: Pathogenic. Last evaluated: 2022-07-13. Review status: criteria provided, single submitter. Criteria: ACMG Guidelines, 2015. Collection method: clinical testing. Allele origin: germline.

NM_007294.4(BRCA1):c.5434C>G (p.Pro1812Ala)

Gene: BRCA1 (BRCA1 DNA repair associated; minus strand). Cytogenetic location: 17q21.31.
Variant type: single nucleotide variant.
Coding change: c.5434C>G on transcript NM_007294.4 (MANE Select); coding-DNA position 5434, C replaced by G.
Protein change: p.Pro1812Ala; replaces proline 1812 with alanine.
Molecular consequence: missense variant. On other transcripts: non-coding transcript variant (1).
Genome position (GRCh38, 1-based): chr17:43,047,676, G>C on the plus strand (C>G on the coding strand, the complement: BRCA1 is on the minus strand). VCF-style: chr17-43047676-G-C. GRCh37 (hg19) VCF-style: chr17-41199693-G-C.
Other names: 5553C>G; c.5221C>G, p.Pro1741Ala (NM_001407571.1, NM_001407894.1, NM_001407895.1 and 12 more transcripts); c.5500C>G, p.Pro1834Ala (NM_001407581.1, NM_001407582.1); c.5497C>G, p.Pro1833Ala (NM_001407583.1, NM_001407585.1, NM_001407587.1 and 1 more transcripts); c.5494C>G, p.Pro1832Ala (NM_001407590.1, NM_001407591.1); c.5434C>G, p.Pro1812Ala (NM_001407593.1, NM_001407594.1, NM_001407596.1 and 5 more transcripts); c.5431C>G, p.Pro1811Ala (NM_001407610.1, NM_001407611.1, NM_001407612.1 and 14 more transcripts); c.5428C>G, p.Pro1810Ala (NM_001407627.1, NM_001407628.1, NM_001407629.1 and 13 more transcripts); and 84 more; short protein forms P1812A, A683G, P1833A, P1765A, P708A, A1744G, P1683A, P1685A.
Identifiers: ClinVar variation 37670 (VCV000037670.36), dbSNP rs1800751, ClinGen allele CA003596.
Genomic context (GRCh38, chr17:43,047,676, plus strand): 5'-TAGCACAGGTACATGCAGGCACCTTACCATGGAAGCCATTGTCCTCTGTCCAGGCATCTG[G>C]CTGCACAACCACAATTGGGTGGACACCCTGGATCCCCAGGAAGGAAAGAGCATTCAAAGT-3'
Protein context (NP_009225.1, residues 1802-1822): TGVHPIVVVQ[Pro1812Ala]DAWTEDNGFH